The following is an entry in ClinVar:

NM_001128178.3(NPHP1):c.483del (p.Asp162fs)

Gene: NPHP1 (nephrocystin 1; minus strand). Cytogenetic location: 2q13.
Variant type: Deletion.
Coding change: c.483del on transcript NM_001128178.3 (MANE Select); coding-DNA position 483, one base deleted (A; older notation c.483delA).
Protein change: p.Asp162fs; shifts the reading frame from aspartic acid 162.
Molecular consequence: frameshift variant.
Genome position (GRCh38, 1-based): chr2:110,169,845, T deleted on the plus strand (A on the coding strand, the reverse complement: NPHP1 is on the minus strand). VCF-style (leftmost placement, unchanged base first): chr2-110169844-CT-C. GRCh37 (hg19) VCF-style: chr2-110927421-CT-C.
Other names: c.483delA (NM_000272.3); c.483del, p.Asp162fs (NM_000272.5, NM_001374256.1, NM_001374257.1 and 1 more transcripts); c.297del, p.Asp100fs (NM_001128179.3); short protein forms D100fs, D162fs.
Identifiers: ClinVar variation 1070446 (VCV001070446.14), dbSNP rs1410236296, ClinGen allele CA755029922.

ClinVar aggregate classification (germline): Pathogenic/Likely pathogenic. Review status: criteria provided, multiple submitters, no conflicts (2 of 4 stars). 6 submissions from 6 submitters: Pathogenic (2); Likely pathogenic (4). Last evaluated 2024-10-17.

Conditions:
NPHP1-related disorder. Also called: NPHP1-related disorders; NPHP1-related condition.
Senior-Loken syndrome 1 (SLSN1). Also called: JUVENILE NEPHRONOPHTHISIS WITH LEBER AMAUROSIS. Identifiers: Orphanet 3156, MedGen C4551559, MONDO:0009962, OMIM 266900.
Nephronophthisis 1 (NPHP1). Also called: Nephronophthisis familial juvenile. Identifiers: Orphanet 655, Orphanet 93592, MedGen C1855681, MONDO:0009728, OMIM 256100.
Joubert syndrome with renal defect. Also called: JOUBERT SYNDROME 4. Identifiers: Orphanet 220497, MedGen C1846790, MONDO:0012308, OMIM 609583.
Inborn genetic diseases. Identifiers: MedGen C0950123, MeSH D030342.
Nephronophthisis. Also called: Juvenile Nephronophthisis. Identifiers: Orphanet 655, MedGen C0687120, MONDO:0019005, HP:0000090.

Allele frequency attached by ClinVar (database versions not stated): gnomAD exomes below 0.00001; TOPMed 0.00003.

Submissions (6):

PreventionGenetics, part of Exact Sciences
Classification: Likely pathogenic for NPHP1-related condition. Last evaluated: 2024-10-17. Review status: criteria provided, single submitter. Criteria: ACMG Guidelines, 2015. Collection method: clinical testing. Allele origin: germline.
Comment: The NPHP1 c.483delA variant is predicted to result in a frameshift and premature protein termination (p.Asp162Ilefs*20). To our knowledge, this variant has not been reported in the literature or in a large population database population database (gnomAD), indicating this variant is rare. Frameshift variants in NPHP1 are expected to be pathogenic. This variant is interpreted as likely pathogenic.

Baylor Genetics
Classification: Likely pathogenic for Joubert syndrome with renal defect. Last evaluated: 2024-03-07. Review status: criteria provided, single submitter. Criteria: ACMG Guidelines, 2015. Collection method: clinical testing. Allele origin: unknown.

Blueprint Genetics
Classification: Likely pathogenic for NPHP1-related disorders. Last evaluated: 2024-02-09. Review status: criteria provided, single submitter. Criteria: ACMG Guidelines, 2015. Collection method: clinical testing. Allele origin: germline. Affected: yes. Observed: 1 variant allele.

Fulgent Genetics
Classification: Likely pathogenic for Nephronophthisis 1; Senior-Loken syndrome 1; Joubert syndrome with renal defect. Last evaluated: 2023-12-27. Review status: criteria provided, single submitter. Criteria: ACMG Guidelines, 2015. Collection method: clinical testing. Allele origin: germline.

Labcorp Genetics (formerly Invitae), Labcorp
Classification: Pathogenic for Nephronophthisis. Last evaluated: 2023-11-04. Review status: criteria provided, single submitter. Criteria: Invitae Variant Classification Sherloc (09022015). Collection method: clinical testing. Allele origin: germline.
Comment: This sequence change creates a premature translational stop signal (p.Asp162Ilefs*20) in the NPHP1 gene. It is expected to result in an absent or disrupted protein product. Loss-of-function variants in NPHP1 are known to be pathogenic (PMID: 23559409). This variant is not present in population databases (gnomAD no frequency). This variant has not been reported in the literature in individuals affected with NPHP1-related conditions. ClinVar contains an entry for this variant (Variation ID: 1070446). For these reasons, this variant has been classified as Pathogenic.

Ambry Genetics
Classification: Pathogenic for Inborn genetic diseases. Last evaluated: 2021-07-02. Review status: criteria provided, single submitter. Criteria: Ambry Variant Classification Scheme 2023. Collection method: clinical testing. Allele origin: germline.
Comment: The c.483delA (p.D162Ifs*20) alteration, located in exon 5 (coding exon 5) of the NPHP1 gene, consists of a deletion of one nucleotide at position 483, causing a translational frameshift with a predicted alternate stop codon after 20 amino acids. This alteration is expected to result in loss of function by premature protein truncation or nonsense-mediated mRNA decay. Based on data from the Genome Aggregation Database (gnomAD), the NPHP1 c.483delA alteration was not observed, with coverage at this position. Based on the available evidence, this alteration is classified as pathogenic.

Literature cited by the submitters: PubMed 23559409 (cited by Labcorp Genetics (formerly Invitae), Labcorp).